The following is an entry in ClinVar:

NM_001365480.1(CCDC88A):c.118G>A (p.Val40Met)

Gene: CCDC88A (coiled-coil and HOOK domain protein 88A; minus strand). Cytogenetic location: 2p16.1.
Variant type: single nucleotide variant.
Coding change: c.118G>A on transcript NM_001365480.1 (MANE Select); coding-DNA position 118, G replaced by A.
Protein change: p.Val40Met; replaces valine 40 with methionine.
Molecular consequence: missense variant.
Genome position (GRCh38, 1-based): chr2:55,418,862, C>T on the plus strand (G>A on the coding strand, the complement: CCDC88A is on the minus strand). VCF-style: chr2-55418862-C-T. GRCh37 (hg19) VCF-style: chr2-55645998-C-T.
Other names: c.118G>A, p.Val40Met (NM_001135597.2, NM_001254943.2, NM_018084.5); short protein forms V40M.
Identifiers: ClinVar variation 2087796 (VCV002087796.4), dbSNP rs2545155789, ClinGen allele CA346912953.
Genomic context (GRCh38, chr2:55,418,862, plus strand): 5'-AAGGAAGAACTTACATTTGGAGCATGACCTGGTTCAAGAATACCCCATCCACCAAAGCCA[C>T]ATATTCATCAAGGTTGGTCCCATTTCCTGCGGCCAGAGGTCCAAACGTTTTAACCTAGAA-3'
Protein context (NP_001352409.1, residues 30-50): AGNGTNLDEY[Val40Met]ALVDGVFLNQ

ClinVar aggregate classification (germline): Uncertain significance (1 of 4 stars; one submission).

Submission:

Labcorp Genetics (formerly Invitae), Labcorp
Classification: Uncertain significance. Last evaluated: 2022-01-18. Review status: criteria provided, single submitter. Criteria: Invitae Variant Classification Sherloc (09022015). Collection method: clinical testing. Allele origin: germline.
Comment: This sequence change replaces valine, which is neutral and non-polar, with methionine, which is neutral and non-polar, at codon 40 of the CCDC88A protein (p.Val40Met). This variant is not present in population databases (gnomAD no frequency). This variant has not been reported in the literature in individuals affected with CCDC88A-related conditions. Algorithms developed to predict the effect of missense changes on protein structure and function (SIFT, PolyPhen-2, Align-GVGD) all suggest that this variant is likely to be tolerated. In summary, the available evidence is currently insufficient to determine the role of this variant in disease. Therefore, it has been classified as a Variant of Uncertain Significance.